The following is an entry in ClinVar:

ClinVar aggregate classification (germline): Benign. Review status: criteria provided, multiple submitters, no conflicts (2 of 4 stars). 7 submissions from 7 submitters: Benign (5). 2 of the submissions do not count toward it. Last evaluated 2026-02-01.

Conditions:
Parietal foramina 2 (PFM2). Identifiers: Orphanet 60015, MedGen C1865044, MONDO:0012309, OMIM 609597.

Allele frequency attached by ClinVar (database versions not stated): ESP Exome Variant Server 0.08859; TOPMed 0.08931; gnomAD 0.09492 and 0.09752; 1000 Genomes Project 30x 0.10134; 1000 Genomes Project 0.10363; gnomAD exomes 0.10659 and 0.11048; ExAC 0.10974.
gnomAD v4.1: 170,628 of 1,613,974 alleles (11%); highest among the groups gnomAD compares: East Asian, 15%; 9,570 homozygotes.

Submissions (7):

Labcorp Genetics (formerly Invitae), Labcorp
Classification: Benign. Last evaluated: 2026-02-01. Review status: criteria provided, single submitter. Criteria: Invitae Variant Classification Sherloc (09022015). Collection method: clinical testing. Allele origin: germline.

Blueprint Genetics
Classification: Benign. Last evaluated: 2024-11-27. Review status: criteria provided, single submitter. Criteria: ACMG Guidelines, 2015. Collection method: clinical testing. Allele origin: germline.

GeneDx
Classification: Benign. Last evaluated: 2018-10-16. Review status: criteria provided, single submitter. Criteria: GeneDx Variant Classification Process June 2021. Collection method: clinical testing. Allele origin: germline. Affected: yes.

Illumina Laboratory Services, Illumina
Classification: Benign for Parietal foramina 2. Last evaluated: 2018-01-12. Review status: criteria provided, single submitter. Criteria: ICSL Variant Classification Criteria 13 December 2019. Collection method: clinical testing. Allele origin: germline.
Comment: This variant was observed in the ICSL laboratory as part of a predisposition screen in an ostensibly healthy population. It had not been previously curated by ICSL or reported in the Human Gene Mutation Database (HGMD: prior to June 1st, 2018), and was therefore a candidate for classification through an automated scoring system. Utilizing variant allele frequency, disease prevalence and penetrance estimates, and inheritance mode, an automated score was calculated to assess if this variant is too frequent to cause the disease. Based on the score and internal cut-off values, a variant classified as benign is not then subjected to further curation. The score for this variant resulted in a classification of benign for this disease.

Breakthrough Genomics
Classification: Benign. Review status: criteria provided, single submitter. Criteria: ACMG Guidelines, 2015. Collection method: not provided. Allele origin: germline. Inheritance: Autosomal recessive inheritance. Affected: yes.

Clinical Genetics DNA and cytogenetics Diagnostics Lab, Erasmus MC, Erasmus Medical Center
Classification: Benign. Review status: no assertion criteria provided. Collection method: clinical testing. Allele origin: germline. Affected: yes. Study: VKGL Data-share Consensus. Not counted in ClinVar's aggregate classification.

Diagnostic Laboratory, Department of Genetics, University Medical Center Groningen
Classification: Benign. Review status: no assertion criteria provided. Collection method: clinical testing. Allele origin: germline. Affected: yes. Study: VKGL Data-share Consensus. Not counted in ClinVar's aggregate classification.

NM_021926.4(ALX4):c.879C>T (p.Leu293=)

Gene: ALX4 (ALX homeobox 4; minus strand). Cytogenetic location: 11p11.2.
Variant type: single nucleotide variant.
Coding change: c.879C>T on transcript NM_021926.4 (MANE Select); coding-DNA position 879, C replaced by T.
Protein change: p.Leu293=; no amino-acid change (leucine 293 retained).
Molecular consequence: synonymous variant.
Genome position (GRCh38, 1-based): chr11:44,267,521, G>A on the plus strand (C>T on the coding strand, the complement: ALX4 is on the minus strand). VCF-style: chr11-44267521-G-A. GRCh37 (hg19) VCF-style: chr11-44289071-G-A.
Other names: c.879C>T, p.Leu293= (LRG_1256t1).
Identifiers: ClinVar variation 304702 (VCV000304702.19), dbSNP rs12419361, ClinGen allele CA5955614.